The following is an entry in ClinVar:

ClinVar aggregate classification (germline): Uncertain significance (1 of 4 stars; one submission).

Conditions:
Charcot-Marie-Tooth disease axonal type 2O. Also called: CHARCOT-MARIE-TOOTH NEUROPATHY, AXONAL, TYPE 2O; CHARCOT-MARIE-TOOTH DISEASE, AXONAL, AUTOSOMAL DOMINANT, TYPE 2O; Charcot-Marie-Tooth Neuropathy Type 2O; Charcot-Marie-Tooth disease, axonal, type 20. Identifiers: Orphanet 284232, MedGen C3280220, MONDO:0013644, OMIM 614228.

Allele frequency attached by ClinVar (database versions not stated): gnomAD exomes below 0.00001.
gnomAD v4.1: 1 of 1,614,252 alleles (0.000062%); highest among the groups gnomAD compares: Non-Finnish European, 0.000085%; no homozygotes.

Submission:

Labcorp Genetics (formerly Invitae), Labcorp
Classification: Uncertain significance for Charcot-Marie-Tooth disease axonal type 2O. Last evaluated: 2024-02-24. Review status: criteria provided, single submitter. Criteria: Invitae Variant Classification Sherloc (09022015). Collection method: clinical testing. Allele origin: germline.
Comment: This sequence change replaces isoleucine, which is neutral and non-polar, with threonine, which is neutral and polar, at codon 1211 of the DYNC1H1 protein (p.Ile1211Thr). This variant is not present in population databases (gnomAD no frequency). This variant has not been reported in the literature in individuals affected with DYNC1H1-related conditions. ClinVar contains an entry for this variant (Variation ID: 1390040). Advanced modeling of protein sequence and biophysical properties (such as structural, functional, and spatial information, amino acid conservation, physicochemical variation, residue mobility, and thermodynamic stability) has been performed at Invitae for this missense variant, however the output from this modeling did not meet the statistical confidence thresholds required to predict the impact of this variant on DYNC1H1 protein function. In summary, the available evidence is currently insufficient to determine the role of this variant in disease. Therefore, it has been classified as a Variant of Uncertain Significance.

NM_001376.5(DYNC1H1):c.3632T>C (p.Ile1211Thr)

Gene: DYNC1H1 (dynein cytoplasmic 1 heavy chain 1; plus strand). Cytogenetic location: 14q32.31.
Variant type: single nucleotide variant.
Coding change: c.3632T>C on transcript NM_001376.5 (MANE Select); coding-DNA position 3632, T replaced by C.
Protein change: p.Ile1211Thr; replaces isoleucine 1211 with threonine.
Molecular consequence: missense variant.
Genome position (GRCh38, 1-based): chr14:101,997,102, T>C. VCF-style: chr14-101997102-T-C. GRCh37 (hg19) VCF-style: chr14-102463439-T-C.
Other names: short protein forms I1211T.
Identifiers: ClinVar variation 1390040 (VCV001390040.8), dbSNP rs2048071348, ClinGen allele CA391035862.